The following is an entry in ClinVar:

ClinVar aggregate classification (germline): Uncertain significance (1 of 4 stars; one submission).

gnomAD v4.1: 3 of 1,614,166 alleles (0.00019%); highest among the groups gnomAD compares: Non-Finnish European, 0.00025%; no homozygotes.

Submission:

Labcorp Genetics (formerly Invitae), Labcorp
Classification: Uncertain significance. Last evaluated: 2024-04-07. Review status: criteria provided, single submitter. Criteria: Invitae Variant Classification Sherloc (09022015). Collection method: clinical testing. Allele origin: germline.
Comment: This sequence change replaces leucine, which is neutral and non-polar, with tryptophan, which is neutral and slightly polar, at codon 2611 of the SRCAP protein (p.Leu2611Trp). This variant is present in population databases (no rsID available, gnomAD 0.0009%). This variant has not been reported in the literature in individuals affected with SRCAP-related conditions. Advanced modeling of protein sequence and biophysical properties (such as structural, functional, and spatial information, amino acid conservation, physicochemical variation, residue mobility, and thermodynamic stability) performed at Invitae indicates that this missense variant is not expected to disrupt SRCAP protein function with a negative predictive value of 80%. In summary, the available evidence is currently insufficient to determine the role of this variant in disease. Therefore, it has been classified as a Variant of Uncertain Significance.

NM_006662.3(SRCAP):c.7832T>G (p.Leu2611Trp)

Gene: SRCAP (Snf2 related CREBBP activator protein; plus strand). Cytogenetic location: 16p11.2.
Variant type: single nucleotide variant.
Coding change: c.7832T>G on transcript NM_006662.3 (MANE Select); coding-DNA position 7832, T replaced by G.
Protein change: p.Leu2611Trp; replaces leucine 2611 with tryptophan.
Molecular consequence: missense variant.
Genome position (GRCh38, 1-based): chr16:30,737,872, T>G. VCF-style: chr16-30737872-T-G. GRCh37 (hg19) VCF-style: chr16-30749193-T-G.
Other names: short protein forms L2611W.
Identifiers: ClinVar variation 3686957 (VCV003686957.2).